The following is an entry in ClinVar:

ClinVar aggregate classification (germline): Uncertain significance (1 of 4 stars; one submission).

Allele frequency attached by ClinVar (database versions not stated): ExAC 0.00001; TOPMed 0.00001.

Submission:

Labcorp Genetics (formerly Invitae), Labcorp
Classification: Uncertain significance. Last evaluated: 2022-06-24. Review status: criteria provided, single submitter. Criteria: Invitae Variant Classification Sherloc (09022015). Collection method: clinical testing. Allele origin: germline.
Comment: This variant is present in population databases (rs753613652, gnomAD 0.009%). In summary, the available evidence is currently insufficient to determine the role of this variant in disease. Therefore, it has been classified as a Variant of Uncertain Significance. Algorithms developed to predict the effect of missense changes on protein structure and function output the following: SIFT: "Deleterious"; PolyPhen-2: "Benign"; Align-GVGD: "Class C0". The serine amino acid residue is found in multiple mammalian species, which suggests that this missense change does not adversely affect protein function. This variant has not been reported in the literature in individuals affected with PRDM13-related conditions. This sequence change replaces glycine, which is neutral and non-polar, with serine, which is neutral and polar, at codon 449 of the PRDM13 protein (p.Gly449Ser).

NM_021620.4(PRDM13):c.1345G>A (p.Gly449Ser)

Gene: PRDM13 (PR/SET domain 13; plus strand). Cytogenetic location: 6q16.2.
Variant type: single nucleotide variant.
Coding change: c.1345G>A on transcript NM_021620.4 (MANE Select); coding-DNA position 1345, G replaced by A.
Protein change: p.Gly449Ser; replaces glycine 449 with serine.
Molecular consequence: missense variant.
Genome position (GRCh38, 1-based): chr6:99,613,980, G>A. VCF-style: chr6-99613980-G-A. GRCh37 (hg19) VCF-style: chr6-100061856-G-A.
Other names: short protein forms G449S.
Identifiers: ClinVar variation 1902663 (VCV001902663.5), dbSNP rs753613652, ClinGen allele CA3936368.